The following is an entry in ClinVar:

NM_016277.5(RAB23):c.241+1G>T

Gene: RAB23 (RAB23, member RAS oncogene family; minus strand). Cytogenetic location: 6p11.2.
Variant type: single nucleotide variant.
Coding change: c.241+1G>T on transcript NM_016277.5 (MANE Select); the canonical splice donor site of the intron after coding-DNA position 241, G replaced by T.
Molecular consequence: splice donor variant.
Genome position (GRCh38, 1-based): chr6:57,207,627, C>A on the plus strand (G>T on the coding strand, the complement: RAB23 is on the minus strand). VCF-style: chr6-57207627-C-A. GRCh37 (hg19) VCF-style: chr6-57072425-C-A.
Other names: c.241+1G>T (NM_001278666.2, NM_001278667.2, NM_001278668.2 and 1 more transcripts).
Identifiers: ClinVar variation 5001361 (VCV005001361.1).

ClinVar aggregate classification (germline): Likely pathogenic (1 of 4 stars; one submission).

Conditions:
RAB23-related disorder. Also called: RAB23-related condition.

gnomAD v4.1: 1 of 1,583,524 alleles (0.000063%); highest among the groups gnomAD compares: African/African-American, 0.0013%; no homozygotes.

Submission:

PreventionGenetics, part of Exact Sciences
Classification: Likely pathogenic for RAB23-related condition. Last evaluated: 2025-10-21. Review status: criteria provided, single submitter. Criteria: ACMG Guidelines, 2015. Collection method: clinical testing. Allele origin: germline.
Comment: The RAB23 c.241+1G>T variant is predicted to disrupt the GT donor site and interfere with normal splicing. To our knowledge, this variant has not been reported in the literature. This variant is reported in 0.011% of alleles in individuals of African descent in gnomAD. Variants that disrupt the consensus splice donor site in RAB23 are expected to be pathogenic. This variant is interpreted as likely pathogenic.